The following is an entry in ClinVar:

NM_001379500.1(COL18A1):c.2193del (p.Pro732fs)

Gene: COL18A1 (collagen type XVIII alpha 1 chain; plus strand). Cytogenetic location: 21q22.3.
Variant type: Deletion.
Coding change: c.2193del on transcript NM_001379500.1 (MANE Select); coding-DNA position 2193, one base deleted (G; older notation c.2193delG).
Protein change: p.Pro732fs; shifts the reading frame from proline 732.
Molecular consequence: frameshift variant.
Genome position (GRCh38, 1-based): chr21:45,492,692, G deleted; the last of 2 consecutive G bases (chr21:45,492,691-45,492,692); deleting either gives the same sequence. VCF-style (leftmost placement, unchanged base first): chr21-45492690-CG-C. GRCh37 (hg19) VCF-style: chr21-46912604-CG-C.
Other names: c.2733del, p.Pro912fs (NM_030582.4); c.3438del, p.Pro1147fs (NM_130444.3); short protein forms P1147fs, P732fs, P912fs.
Identifiers: ClinVar variation 2710629 (VCV002710629.3), dbSNP rs2517690624, ClinGen allele CA2697547631.

ClinVar aggregate classification (germline): Pathogenic (1 of 4 stars; one submission).

Submission:

Labcorp Genetics (formerly Invitae), Labcorp
Classification: Pathogenic. Last evaluated: 2024-07-30. Review status: criteria provided, single submitter. Criteria: Invitae Variant Classification Sherloc (09022015). Collection method: clinical testing. Allele origin: germline.
Comment: This sequence change creates a premature translational stop signal (p.Pro732Argfs*85) in the COL18A1 gene. It is expected to result in an absent or disrupted protein product. Loss-of-function variants in COL18A1 are known to be pathogenic (PMID: 12415512, 25456301). This variant is not present in population databases (gnomAD no frequency). This variant has not been reported in the literature in individuals affected with COL18A1-related conditions. For these reasons, this variant has been classified as Pathogenic.

Literature cited by the submitters: PubMed 12415512; PubMed 25456301.